The following is an entry in ClinVar:

NM_015021.3(ZNF292):c.3681A>C (p.Leu1227Phe)

Gene: ZNF292 (zinc finger protein 292; plus strand). Cytogenetic location: 6q14.3.
Variant type: single nucleotide variant.
Coding change: c.3681A>C on transcript NM_015021.3 (MANE Select); coding-DNA position 3681, A replaced by C.
Protein change: p.Leu1227Phe; replaces leucine 1227 with phenylalanine.
Molecular consequence: missense variant.
Genome position (GRCh38, 1-based): chr6:87,257,310, A>C. VCF-style: chr6-87257310-A-C. GRCh37 (hg19) VCF-style: chr6-87967028-A-C.
Other names: c.3261A>C, p.Leu1087Phe (NM_001351444.2); short protein forms L1227F, L1087F.
Identifiers: ClinVar variation 2590041 (VCV002590041.8), dbSNP rs146052403, ClinGen allele CA3914158.

ClinVar aggregate classification (germline): Likely benign. Review status: criteria provided, multiple submitters, no conflicts (2 of 4 stars). 2 submissions from 2 submitters: Likely benign (2). Last evaluated 2026-01-01.

Conditions:
Inborn genetic diseases. Identifiers: MedGen C0950123, MeSH D030342.

Allele frequency attached by ClinVar (database versions not stated): ExAC 0.00031; 1000 Genomes Project 30x 0.00109; 1000 Genomes Project 0.00120; TOPMed 0.00019; gnomAD 0.00023.
gnomAD v4.1: 182 of 1,613,694 alleles (0.011%); highest among the groups gnomAD compares: East Asian, 0.33%; 1 homozygote.

Submissions (2):

CeGaT Center for Human Genetics Tuebingen
Classification: Likely benign. Last evaluated: 2026-01-01. Review status: criteria provided, single submitter. Criteria: CeGaT Center For Human Genetics Tuebingen Variant Classification Criteria Version 2. Collection method: clinical testing. Allele origin: germline. Affected: yes. Observed: 2 variant alleles.
Comment: ZNF292: BP4, BS1

Ambry Genetics
Classification: Likely benign for Inborn genetic diseases. Last evaluated: 2023-07-19. Review status: criteria provided, single submitter. Criteria: Ambry Variant Classification Scheme 2023. Collection method: clinical testing. Allele origin: germline.